The following is an entry in ClinVar:

NM_001287.6(CLCN7):c.1140C>T (p.Ala380=)

Gene: CLCN7 (chloride voltage-gated channel 7; minus strand). Cytogenetic location: 16p13.3.
Variant type: single nucleotide variant.
Coding change: c.1140C>T on transcript NM_001287.6 (MANE Select); coding-DNA position 1140, C replaced by T.
Protein change: p.Ala380=; no amino-acid change (alanine 380 retained).
Molecular consequence: synonymous variant.
Genome position (GRCh38, 1-based): chr16:1,454,424, G>A on the plus strand (C>T on the coding strand, the complement: CLCN7 is on the minus strand). VCF-style: chr16-1454424-G-A. GRCh37 (hg19) VCF-style: chr16-1504425-G-A.
Other names: c.1140C>T (NM_001287.5); c.1068C>T, p.Ala356= (NM_001114331.3).
Identifiers: ClinVar variation 1658043 (VCV001658043.10), dbSNP rs145363344, ClinGen allele CA7810428.

ClinVar aggregate classification (germline): Likely benign. Review status: criteria provided, single submitter (1 of 4 stars). 2 submissions from 2 submitters: Likely benign (1). 1 of the submissions does not count toward it. Last evaluated 2024-12-10.

Conditions:
CLCN7-related disorder. Also called: CLCN7-related condition.

Allele frequency attached by ClinVar (database versions not stated): gnomAD exomes 0.00001 and 0.00004; ExAC 0.00007; TOPMed 0.00014; gnomAD 0.00017 and 0.00018; ESP Exome Variant Server 0.00023; 1000 Genomes Project 30x 0.00031; 1000 Genomes Project 0.00040.
gnomAD v4.1: 38 of 1,613,692 alleles (0.0024%); highest among the groups gnomAD compares: African/African-American, 0.051%; no homozygotes.

Submissions (2):

Labcorp Genetics (formerly Invitae), Labcorp
Classification: Likely benign. Last evaluated: 2024-12-10. Review status: criteria provided, single submitter. Criteria: Invitae Variant Classification Sherloc (09022015). Collection method: clinical testing. Allele origin: germline.

PreventionGenetics, part of Exact Sciences
Classification: Likely benign for CLCN7-related condition. Last evaluated: 2019-03-07. Review status: no assertion criteria provided. Collection method: clinical testing. Allele origin: germline. Not counted in ClinVar's aggregate classification.
Comment: This variant is classified as likely benign based on ACMG/AMP sequence variant interpretation guidelines (Richards et al. 2015 PMID: 25741868, with internal and published modifications).